The following is an entry in ClinVar:

NM_014946.4(SPAST):c.1728G>A (p.Glu576=)

Gene: SPAST (spastin; plus strand). Cytogenetic location: 2p22.3.
Variant type: single nucleotide variant.
Coding change: c.1728G>A on transcript NM_014946.4 (MANE Select); coding-DNA position 1728, G replaced by A.
Protein change: p.Glu576=; no amino-acid change (glutamic acid 576 retained).
Molecular consequence: synonymous variant. On other transcripts: 3 prime UTR variant (1).
Genome position (GRCh38, 1-based): chr2:32,147,258, G>A. VCF-style: chr2-32147258-G-A. GRCh37 (hg19) VCF-style: chr2-32372327-G-A.
Other names: c.1725G>A, p.Glu575= (NM_001363823.2); c.1629G>A, p.Glu543= (NM_001363875.2); c.*1G>A (NM_001377959.1); c.1632G>A, p.Glu544= (NM_199436.2).
Identifiers: ClinVar variation 409027 (VCV000409027.8), dbSNP rs1060502225, ClinGen allele CA16610765.
Genomic context (GRCh38, chr2:32,147,258, plus strand): 5'-CTGACTTTTATGTTTTACAGAACTAAAACCAGAACAGGTGAAGAATATGTCTGCCAGTGA[G>A]GTATAGTATTTTACAATGATATTTTCTTTGTCTTCTATATTGTAAGACATATATAAGACA-3'
Protein context (NP_055761.2, residues 566-586): PEQVKNMSAS[Glu576=]MRNIRLSDFT

ClinVar aggregate classification (germline): Uncertain significance. Review status: criteria provided, multiple submitters, no conflicts (2 of 4 stars). 2 submissions from 2 submitters: Uncertain significance (2). Last evaluated 2018-09-21.

Conditions:
Hereditary spastic paraplegia 4. Also called: Spastic paraplegia 4, autosomal dominant; Familial spastic paraplegia autosomal dominant 2; Spastic Paraplegia 4. Identifiers: Orphanet 100985, MedGen C1866855, MONDO:0008438, OMIM 182601.

Submissions (2):

Athena Diagnostics
Classification: Uncertain significance. Last evaluated: 2018-09-21. Review status: criteria provided, single submitter. Criteria: Athena Diagnostics Criteria. Collection method: clinical testing. Allele origin: germline.

Labcorp Genetics (formerly Invitae), Labcorp
Classification: Uncertain significance for Hereditary spastic paraplegia 4. Last evaluated: 2016-07-26. Review status: criteria provided, single submitter. Criteria: Invitae Variant Classification Sherloc (09022015). Collection method: clinical testing. Allele origin: germline.
Comment: In summary, this is a novel silent change that occurs within a consensus splice site and which has uncertain impact on splicing. It has been classified as a Variant of Uncertain Significance. Nucleotide substitutions within the consensus splice site are relatively common causes of aberrant splicing (PMID: 17576681, 9536098). Algorithms developed to predict the effect of nucleotide changes on mRNA splicing suggest that this variant may alter mRNA splicing, but this prediction has not been confirmed by published transcriptional studies. This variant is not present in population databases (ExAC no frequency) and has not been reported in the literature in individuals with a SPAST-related disease. This sequence change affects codon 576 of the SPAST mRNA. It is a 'silent' change, meaning that it does not change the encoded amino acid sequence of the SPAST protein. It also falls at the last nucleotide of exon 16 of the SPAST coding sequence, and is part of the 5' consensus splice site of intron 16.

Literature cited by the submitters: PubMed 17576681 (cited by Labcorp Genetics (formerly Invitae), Labcorp); PubMed 9536098 (cited by Labcorp Genetics (formerly Invitae), Labcorp).